The following is an entry in ClinVar:

ClinVar aggregate classification (germline): Uncertain significance (1 of 4 stars; one submission).

Submission:

Labcorp Genetics (formerly Invitae), Labcorp
Classification: Uncertain significance. Last evaluated: 2021-08-18. Review status: criteria provided, single submitter. Criteria: Invitae Variant Classification Sherloc (09022015). Collection method: clinical testing. Allele origin: germline.
Comment: This sequence change replaces serine with asparagine at codon 129 of the CA4 protein (p.Ser129Asn). The serine residue is weakly conserved and there is a small physicochemical difference between serine and asparagine. This variant is not present in population databases (ExAC no frequency). This variant has not been reported in the literature in individuals affected with CA4-related conditions. Algorithms developed to predict the effect of missense changes on protein structure and function are either unavailable or do not agree on the potential impact of this missense change (SIFT: "Not Available"; PolyPhen-2: "Probably Damaging"; Align-GVGD: "Not Available"). In summary, the available evidence is currently insufficient to determine the role of this variant in disease. Therefore, it has been classified as a Variant of Uncertain Significance.

NM_000717.5(CA4):c.386G>A (p.Ser129Asn)

Gene: CA4 (carbonic anhydrase 4; plus strand). Cytogenetic location: 17q23.1.
Variant type: single nucleotide variant.
Coding change: c.386G>A on transcript NM_000717.5 (MANE Select); coding-DNA position 386, G replaced by A.
Protein change: p.Ser129Asn; replaces serine 129 with asparagine.
Molecular consequence: missense variant. On other transcripts: non-coding transcript variant (1).
Genome position (GRCh38, 1-based): chr17:60,157,544, G>A. VCF-style: chr17-60157544-G-A. GRCh37 (hg19) VCF-style: chr17-58234905-G-A.
Other names: short protein forms S129N.
Identifiers: ClinVar variation 1442355 (VCV001442355.6), dbSNP rs2145273956, ClinGen allele CA400455215.